The following is an entry in ClinVar:

NM_000179.3(MSH6):c.2781T>G (p.Ile927Met)

Gene: MSH6 (mutS homolog 6; plus strand). Cytogenetic location: 2p16.3.
Variant type: single nucleotide variant.
Coding change: c.2781T>G on transcript NM_000179.3 (MANE Select); coding-DNA position 2781, T replaced by G.
Protein change: p.Ile927Met; replaces isoleucine 927 with methionine.
Molecular consequence: missense variant.
Genome position (GRCh38, 1-based): chr2:47,800,764, T>G. VCF-style: chr2-47800764-T-G. GRCh37 (hg19) VCF-style: chr2-48027903-T-G.
Other names: c.2391T>G, p.Ile797Met (NM_001281492.2); c.1875T>G, p.Ile625Met (NM_001281493.2, NM_001281494.2); short protein forms I927M, I625M, I797M.
Identifiers: ClinVar variation 237163 (VCV000237163.21), dbSNP rs771575217, ClinGen allele CA10582066.
Genomic context (GRCh38, chr2:47,800,764, plus strand): 5'-AGAATTGAACCGATGGGATACAGCCTTTGACCATGAAAAGGCTCGAAAGACTGGACTTAT[T>G]ACTCCCAAAGCAGGCTTTGACTCTGATTATGACCAAGCTCTTGCTGACATAAGAGAAAAT-3'
Protein context (NP_000170.1, residues 917-937): DHEKARKTGL[Ile927Met]TPKAGFDSDY

ClinVar aggregate classification (germline): Conflicting classifications of pathogenicity. Review status: criteria provided, conflicting classifications (1 of 4 stars). 5 submissions from 5 submitters: Uncertain significance (4); Benign (1). Last evaluated 2026-06-15.

Conditions:
MSH6-related disorder. Also called: MSH6-related condition; MSH6-Related disorders.
Lynch syndrome 5 (LYNCH5). Also called: Colorectal cancer, hereditary nonpolyposis, type 5; Hereditary non-polyposis colorectal cancer, type 5. Identifiers: Orphanet 144, MedGen C1833477, MONDO:0013710, OMIM 614350. Disease mechanism: loss of function.
Mismatch repair cancer syndrome 3. Identifiers: MedGen C5436807, MONDO:0030841, OMIM 619097.
Hereditary nonpolyposis colorectal neoplasms. Identifiers: MedGen C0009405, MeSH D003123.
Hereditary cancer-predisposing syndrome. Also called: Neoplastic Syndromes, Hereditary; Hereditary neoplastic syndrome; Hereditary Cancer Syndrome; Tumor predisposition. Identifiers: Orphanet 140162, MedGen C0027672, MeSH D009386, MONDO:0015356.

Allele frequency attached by ClinVar (database versions not stated): TOPMed below 0.00001; gnomAD 0.00001.
gnomAD v4.1: 21 of 1,614,074 alleles (0.0013%); highest among the groups gnomAD compares: Non-Finnish European, 0.0017%; no homozygotes.

Submissions (5):

PreventionGenetics, part of Exact Sciences
Classification: Uncertain significance for MSH6-related condition. Last evaluated: 2026-06-15. Review status: criteria provided, single submitter. Criteria: ACMG Guidelines, 2015. Collection method: clinical testing. Allele origin: germline.
Comment: The MSH6 c.2781T>G variant is predicted to result in the amino acid substitution p.Ile927Met. To our knowledge, this variant has not been reported in the literature or in a large population database (gnomAD), indicating it is rare. It has conflicting interpretations in ClinVar ranging from likely benign to uncertain (Variation ID: 237163). At this time, the clinical significance of this variant is uncertain due to the absence of conclusive functional and genetic evidence.

Labcorp Genetics (formerly Invitae), Labcorp
Classification: Benign for Hereditary nonpolyposis colorectal neoplasms. Last evaluated: 2025-09-08. Review status: criteria provided, single submitter. Criteria: Invitae Variant Classification Sherloc (09022015). Collection method: clinical testing. Allele origin: germline.

Ambry Genetics
Classification: Uncertain significance for Hereditary cancer-predisposing syndrome. Last evaluated: 2024-02-17. Review status: criteria provided, single submitter. Criteria: Ambry Variant Classification Scheme 2023. Collection method: clinical testing. Allele origin: germline.
Comment: The p.I927M variant (also known as c.2781T>G), located in coding exon 4 of the MSH6 gene, results from a T to G substitution at nucleotide position 2781. The isoleucine at codon 927 is replaced by methionine, an amino acid with highly similar properties. This amino acid position is highly conserved in available vertebrate species. In addition, this alteration is predicted to be deleterious by in silico analysis. Since supporting evidence is limited at this time, the clinical significance of this alteration remains unclear.

Color Diagnostics, LLC DBA Color Health
Classification: Uncertain significance for Hereditary cancer-predisposing syndrome. Last evaluated: 2023-12-05. Review status: criteria provided, single submitter. Criteria: ACMG Guidelines, 2015. Collection method: clinical testing. Allele origin: germline.
Comment: This missense variant replaces isoleucine with methionine at codon 927 of the MSH6 protein. Computational prediction tools and conservation analyses suggest that this variant may have deleterious impact on the protein function. Computational splicing tools suggest that this variant may not impact RNA splicing. To our knowledge, functional assays have not been performed for this variant nor has this variant been reported in individuals affected with hereditary cancer in the literature. This variant has not been identified in the general population by the Genome Aggregation Database (gnomAD). Available evidence is insufficient to determine the role of this variant in disease conclusively. Therefore, this variant is classified as a Variant of Uncertain Significance.

Department of Pathology and Laboratory Medicine, Sinai Health System
Classification: Uncertain significance for Mismatch repair cancer syndrome 3; Lynch syndrome 5. Last evaluated: 2023-10-13. Review status: criteria provided, single submitter. Criteria: ACMG Guidelines, 2015. Collection method: clinical testing. Allele origin: germline. Affected: yes.